The following is an entry in ClinVar:

NM_001003787.4(STRADA):c.1068G>A (p.Val356=)

Gene: STRADA (STE20 related adaptor alpha; minus strand). Cytogenetic location: 17q23.3.
Variant type: single nucleotide variant.
Coding change: c.1068G>A on transcript NM_001003787.4 (MANE Select); coding-DNA position 1068, G replaced by A.
Protein change: p.Val356=; no amino-acid change (valine 356 retained).
Molecular consequence: synonymous variant. On other transcripts: non-coding transcript variant (1), intron variant (6).
Genome position (GRCh38, 1-based): chr17:63,704,373, C>T on the plus strand (G>A on the coding strand, the complement: STRADA is on the minus strand). VCF-style: chr17-63704373-C-T. GRCh37 (hg19) VCF-style: chr17-61781733-C-T.
Other names: c.957G>A, p.Val319= (NM_001003786.3, NM_153335.6); c.894G>A, p.Val298= (NM_001003788.3); c.1044G>A, p.Val348= (NM_001363786.1); c.981G>A, p.Val327= (NM_001363787.1); c.898+59G>A (NM_001363789.1); c.835+59G>A (NM_001363790.1, NM_001363791.1); c.922+59G>A (NM_001165969.2); c.877+59G>A (NM_001165970.2); and 1 more.
Identifiers: ClinVar variation 957919 (VCV000957919.8), dbSNP rs1459844600, ClinGen allele CA501200927.
Genomic context (GRCh38, chr17:63,704,373, plus strand): 5'-AAGCCCAGGCCCAGGCCAGCAGGGATACCTGGCATCCGGGTTGCGCTGAAGGCACTGCTC[C>T]ACAAAGTGGTGGAAGTGGGGGGAGAAGGTTCGGTGGTAGGGGTGGGAGGGCGAGTCACCG-3'
Protein context (NP_001003787.1, residues 346-366): RTFSPHFHHF[Val356=]EQCLQRNPDA

ClinVar aggregate classification (germline): Uncertain significance (1 of 4 stars; one submission).

Conditions:
Polyhydramnios, megalencephaly, and symptomatic epilepsy (PMSE). Also called: PMSE SYNDROME. Identifiers: Orphanet 500533, MedGen C1970203, MONDO:0012611, OMIM 611087.

Allele frequency attached by ClinVar (database versions not stated): gnomAD exomes below 0.00001; gnomAD 0.00001; TOPMed 0.00001.
gnomAD v4.1: 5 of 1,612,704 alleles (0.00031%); highest among the groups gnomAD compares: Non-Finnish European, 0.00025%; no homozygotes.

Submission:

Labcorp Genetics (formerly Invitae), Labcorp
Classification: Uncertain significance for Polyhydramnios, megalencephaly, and symptomatic epilepsy. Last evaluated: 2021-01-14. Review status: criteria provided, single submitter. Criteria: Invitae Variant Classification Sherloc (09022015). Collection method: clinical testing. Allele origin: germline.
Comment: This sequence change affects codon 356 of the STRADA mRNA. It is a 'silent' change, meaning that it does not change the encoded amino acid sequence of the STRADA protein. This variant is not present in population databases (ExAC no frequency). This variant has not been reported in the literature in individuals with STRADA-related conditions. Algorithms developed to predict the effect of sequence changes on RNA splicing suggest that this variant may create or strengthen a splice site, but this prediction has not been confirmed by published transcriptional studies. In summary, the available evidence is currently insufficient to determine the role of this variant in disease. Therefore, it has been classified as a Variant of Uncertain Significance.